The following is an entry in ClinVar:

ClinVar aggregate classification (germline): Likely pathogenic (1 of 4 stars; one submission).

Conditions:
Cornelia de Lange syndrome 1 (CDLS1). Also called: TYPUS DEGENERATIVUS AMSTELODAMENSIS; Brachmann de Lange syndrome; NIPBL-Related Cornelia de Lange Syndrome. Identifiers: Orphanet 199, MedGen C4551851, MONDO:0007387, OMIM 122470.

Submission:

Labcorp Genetics (formerly Invitae), Labcorp
Classification: Likely pathogenic for Cornelia de Lange syndrome 1. Last evaluated: 2020-04-08. Review status: criteria provided, single submitter. Criteria: Invitae Variant Classification Sherloc (09022015). Collection method: clinical testing. Allele origin: germline.
Comment: This variant is not present in population databases (ExAC no frequency). This sequence change affects codon 2541 of the NIPBL mRNA. It is a 'silent' change, meaning that it does not change the encoded amino acid sequence of the NIPBL protein. This variant has been observed in individual(s) with Cornelia de Lange syndrome (Invitae). In at least one individual the variant was observed to be de novo. Algorithms developed to predict the effect of sequence changes on RNA splicing suggest that this variant may create or strengthen a splice site, but this prediction has not been confirmed by published transcriptional studies. In summary, the currently available evidence indicates that the variant is pathogenic, but additional data are needed to prove that conclusively. Therefore, this variant has been classified as Likely Pathogenic.

NM_133433.4(NIPBL):c.7623G>A (p.Gln2541=)

Gene: NIPBL (NIPBL cohesin loading factor; plus strand). Cytogenetic location: 5p13.2.
Variant type: single nucleotide variant.
Coding change: c.7623G>A on transcript NM_133433.4 (MANE Select); coding-DNA position 7623, G replaced by A.
Protein change: p.Gln2541=; no amino-acid change (glutamine 2541 retained).
Molecular consequence: synonymous variant.
Genome position (GRCh38, 1-based): chr5:37,059,103, G>A. VCF-style: chr5-37059103-G-A. GRCh37 (hg19) VCF-style: chr5-37059205-G-A.
Other names: c.7623G>A, p.Gln2541= (NM_015384.5).
Identifiers: ClinVar variation 862456 (VCV000862456.10), dbSNP rs1754396332, ClinGen allele CA443916079.